The following is an entry in ClinVar:

NM_000548.5(TSC2):c.4430G>A (p.Arg1477Lys)

Gene: TSC2 (TSC complex subunit 2; plus strand). Cytogenetic location: 16p13.3.
Variant type: single nucleotide variant.
Coding change: c.4430G>A on transcript NM_000548.5 (MANE Select); coding-DNA position 4430, G replaced by A.
Protein change: p.Arg1477Lys; replaces arginine 1477 with lysine.
Molecular consequence: missense variant.
Genome position (GRCh38, 1-based): chr16:2,084,652, G>A. VCF-style: chr16-2084652-G-A. GRCh37 (hg19) VCF-style: chr16-2134653-G-A.
Other names: c.4229G>A, p.Arg1410Lys (NM_001077183.3); c.4361G>A, p.Arg1454Lys (NM_001114382.3); c.4121G>A, p.Arg1374Lys (NM_001318827.2); c.4085G>A, p.Arg1362Lys (NM_001318829.2); c.3698G>A, p.Arg1233Lys (NM_001318831.2); c.4262G>A, p.Arg1421Lys (NM_001318832.2); c.4232G>A, p.Arg1411Lys (NM_001363528.2); c.4298G>A, p.Arg1433Lys (NM_001370404.1); and 2 more; short protein forms R1477K, R1433K, R1434K, R1421K, R1454K, R1362K, R1374K, R1410K.
Identifiers: ClinVar variation 578769 (VCV000578769.17), dbSNP rs752693719, ClinGen allele CA051117.

ClinVar aggregate classification (germline): Conflicting classifications of pathogenicity. Review status: criteria provided, conflicting classifications (1 of 4 stars). 4 submissions from 4 submitters: Uncertain significance (3); Benign (1). Last evaluated 2025-11-11.

Conditions:
Tuberous sclerosis 2 (TSC2). Identifiers: Orphanet 805, MedGen C1860707, MONDO:0013199, OMIM 613254.
Isolated focal cortical dysplasia type II (FCORD2). Also called: CORTICAL DYSPLASIA OF TAYLOR; Focal cortical dysplasia type II. Identifiers: Orphanet 268994, MedGen C1846385, MONDO:0011818, OMIM 607341, HP:0032051.
Lymphangiomyomatosis (LAM). Also called: Lymphangioleiomyomatosis; Lymphangioleiomyomatosis, somatic. Identifiers: Orphanet 538, MedGen C0751674, MONDO:0011705, OMIM 606690.
TSC2-related disorder. Also called: TSC2-related condition; TSC2-Related Disorders.
Hereditary cancer-predisposing syndrome. Also called: Neoplastic Syndromes, Hereditary; Tumor predisposition; Hereditary Cancer Syndrome; Hereditary neoplastic syndrome. Identifiers: Orphanet 140162, MedGen C0027672, MeSH D009386, MONDO:0015356.

Allele frequency attached by ClinVar (database versions not stated): TOPMed below 0.00001; ExAC 0.00001; gnomAD exomes 0.00001.
gnomAD v4.1: 2 of 1,599,380 alleles (0.00013%); highest among the groups gnomAD compares: South Asian, 0.0011%; no homozygotes.

Submissions (4):

Ambry Genetics
Classification: Uncertain significance for Hereditary cancer-predisposing syndrome. Last evaluated: 2025-11-11. Review status: criteria provided, single submitter. Criteria: Ambry Variant Classification Scheme 2023. Collection method: clinical testing. Allele origin: germline.
Comment: The p.R1477K variant (also known as c.4430G>A), located in coding exon 33 of the TSC2 gene, results from a G to A substitution at nucleotide position 4430. The arginine at codon 1477 is replaced by lysine, an amino acid with highly similar properties. This amino acid position is conserved. In addition, the in silico prediction for this alteration is inconclusive. Since supporting evidence is limited at this time, the clinical significance of this alteration remains unclear.

Labcorp Genetics (formerly Invitae), Labcorp
Classification: Benign for Tuberous sclerosis 2. Last evaluated: 2025-02-19. Review status: criteria provided, single submitter. Criteria: Invitae Variant Classification Sherloc (09022015). Collection method: clinical testing. Allele origin: germline.

PreventionGenetics, part of Exact Sciences
Classification: Uncertain significance for TSC2-related condition. Last evaluated: 2024-11-25. Review status: criteria provided, single submitter. Criteria: ACMG Guidelines, 2015. Collection method: clinical testing. Allele origin: germline.
Comment: The TSC2 c.4430G>A variant is predicted to result in the amino acid substitution p.Arg1477Lys. To our knowledge, this variant has not been reported in the literature. This variant is reported in 0.0033% of alleles in individuals of South Asian descent in gnomAD. At this time, the clinical significance of this variant is uncertain due to the absence of conclusive functional and genetic evidence.

Fulgent Genetics
Classification: Uncertain significance for Lymphangiomyomatosis; Isolated focal cortical dysplasia type II; Tuberous sclerosis 2. Last evaluated: 2024-03-20. Review status: criteria provided, single submitter. Criteria: ACMG Guidelines, 2015. Collection method: clinical testing. Allele origin: germline.